The following is an entry in ClinVar:

NM_001080517.3(SETD5):c.4258G>C (p.Gly1420Arg)

Gene: SETD5 (SET domain containing 5; plus strand). Cytogenetic location: 3p25.3.
Variant type: single nucleotide variant.
Coding change: c.4258G>C on transcript NM_001080517.3 (MANE Select); coding-DNA position 4258, G replaced by C.
Protein change: p.Gly1420Arg; replaces glycine 1420 with arginine.
Molecular consequence: missense variant.
Genome position (GRCh38, 1-based): chr3:9,476,020, G>C. VCF-style: chr3-9476020-G-C. GRCh37 (hg19) VCF-style: chr3-9517704-G-C.
Other names: c.3964G>C, p.Gly1322Arg (NM_001292043.2, NM_001349451.2); c.4354G>C, p.Gly1452Arg (NM_001437633.1); c.4372G>C, p.Gly1458Arg (NM_001437635.1); c.4315G>C, p.Gly1439Arg (NM_001437643.1); c.4297G>C, p.Gly1433Arg (NM_001437701.1); short protein forms G1420R, G1433R, G1458R, G1322R, G1439R, G1452R.
Identifiers: ClinVar variation 5008573 (VCV005008573.1).

ClinVar aggregate classification (germline): Uncertain significance (1 of 4 stars; one submission).

gnomAD v4.1: 2 of 1,614,044 alleles (0.00012%); highest among the groups gnomAD compares: African/African-American, 0.0013%; no homozygotes.

Submission:

GeneDx
Classification: Uncertain significance. Last evaluated: 2026-03-04. Review status: criteria provided, single submitter. Criteria: GeneDx Variant Classification Process June 2021. Collection method: clinical testing. Allele origin: germline.
Comment: Not observed at significant frequency in large population cohorts (gnomAD); In silico analysis suggests that this missense variant does not alter protein structure/function; Has not been previously published as pathogenic or benign to our knowledge